The following is an entry in ClinVar:

NM_006922.4(SCN3A):c.2843T>C (p.Met948Thr)

Gene: SCN3A (sodium voltage-gated channel alpha subunit 3; minus strand). Cytogenetic location: 2q24.3.
Variant type: single nucleotide variant.
Coding change: c.2843T>C on transcript NM_006922.4 (MANE Select); coding-DNA position 2843, T replaced by C.
Protein change: p.Met948Thr; replaces methionine 948 with threonine.
Molecular consequence: missense variant.
Genome position (GRCh38, 1-based): chr2:165,130,019, A>G on the plus strand (T>C on the coding strand, the complement: SCN3A is on the minus strand). VCF-style: chr2-165130019-A-G. GRCh37 (hg19) VCF-style: chr2-165986529-A-G.
Other names: c.2696T>C, p.Met899Thr (NM_001081676.2, NM_001081677.2); short protein forms M899T, M948T.
Identifiers: ClinVar variation 4070788 (VCV004070788.1).

ClinVar aggregate classification (germline): Uncertain significance (1 of 4 stars; one submission).

Submission:

GeneDx
Classification: Uncertain significance. Last evaluated: 2025-01-15. Review status: criteria provided, single submitter. Criteria: GeneDx Variant Classification Process June 2021. Collection method: clinical testing. Allele origin: germline. Affected: yes.
Comment: Not observed at significant frequency in large population cohorts (gnomAD); In silico analysis supports that this missense variant has a deleterious effect on protein structure/function; Has not been previously published as pathogenic or benign to our knowledge